The following is an entry in ClinVar:

NM_004959.5(NR5A1):c.870+1G>A

Gene: NR5A1 (nuclear receptor subfamily 5 group A member 1; minus strand). Cytogenetic location: 9q33.3.
Variant type: single nucleotide variant.
Coding change: c.870+1G>A on transcript NM_004959.5 (MANE Select); the canonical splice donor site of the intron after coding-DNA position 870, G replaced by A.
Molecular consequence: splice donor variant.
Genome position (GRCh38, 1-based): chr9:124,500,089, C>T on the plus strand (G>A on the coding strand, the complement: NR5A1 is on the minus strand). VCF-style: chr9-124500089-C-T. GRCh37 (hg19) VCF-style: chr9-127262368-C-T.
Identifiers: ClinVar variation 2949072 (VCV002949072.3), dbSNP rs2538683535, ClinGen allele CA374885042.

ClinVar aggregate classification (germline): Likely pathogenic (1 of 4 stars; one submission).

Conditions:
Oligosynaptic infertility (SPGF1). Also called: SPERMATOGENIC FAILURE 1; OLIGOCHIASMATIC INFERTILITY. Identifiers: MedGen C0403810, MONDO:0009776, OMIM 258150.
46 XY differences of sex development. Also called: 46, XY disorder of sex development (DSD); 46,XY disorder of sex development. Identifiers: Orphanet 98085, MedGen C2751824, MONDO:0020040.

Submission:

Labcorp Genetics (formerly Invitae), Labcorp
Classification: Likely pathogenic for 46 XY differences of sex development; Oligosynaptic infertility. Last evaluated: 2023-06-20. Review status: criteria provided, single submitter. Criteria: Invitae Variant Classification Sherloc (09022015). Collection method: clinical testing. Allele origin: germline.
Comment: This sequence change affects a donor splice site in intron 4 of the NR5A1 gene. It is expected to disrupt RNA splicing. Variants that disrupt the donor or acceptor splice site typically lead to a loss of protein function (PMID: 16199547), and loss-of-function variants in NR5A1 are known to be pathogenic (PMID: 10369247, 12907682, 19246354). This variant is not present in population databases (gnomAD no frequency). This variant has not been reported in the literature in individuals affected with NR5A1-related conditions. Algorithms developed to predict the effect of sequence changes on RNA splicing suggest that this variant may disrupt the consensus splice site. In summary, the currently available evidence indicates that the variant is pathogenic, but additional data are needed to prove that conclusively. Therefore, this variant has been classified as Likely Pathogenic.

Literature cited by the submitters: PubMed 16199547; PubMed 10369247; PubMed 12907682; PubMed 19246354.